The following is an entry in ClinVar:

NM_000053.4(ATP7B):c.1916A>G (p.His639Arg)

Gene: ATP7B (ATPase copper transporting beta; minus strand). Cytogenetic location: 13q14.3.
Variant type: single nucleotide variant.
Coding change: c.1916A>G on transcript NM_000053.4 (MANE Select); coding-DNA position 1916, A replaced by G.
Protein change: p.His639Arg; replaces histidine 639 with arginine.
Molecular consequence: missense variant. On other transcripts: intron variant (13).
Genome position (GRCh38, 1-based): chr13:51,961,867, T>C on the plus strand (A>G on the coding strand, the complement: ATP7B is on the minus strand). VCF-style: chr13-51961867-T-C. GRCh37 (hg19) VCF-style: chr13-52536003-T-C.
Other names: c.1916A>G, p.His639Arg (NM_001406513.1, NM_001330578.2, NM_001406511.1 and 16 more transcripts); c.1883A>G, p.His628Arg (NM_001406514.1, NM_001406524.1); c.1583A>G, p.His528Arg (NM_001243182.2); c.1820A>G, p.His607Arg (NM_001406517.1, NM_001406518.1, NM_001406530.1 and 1 more transcripts); c.1487A>G, p.His496Arg (NM_001406539.1); c.1869+3005A>G (NM_001406541.1, NM_001406531.1, NM_001406532.1 and 5 more transcripts); c.1773+3005A>G (NM_001406543.1, NM_001406544.1); c.1286-11706A>G (NM_001406548.1); and 1 more; short protein forms H496R, H528R, H607R, H628R, H639R.
Identifiers: ClinVar variation 4757251 (VCV004757251.1).

ClinVar aggregate classification (germline): Uncertain significance (1 of 4 stars; one submission).

Conditions:
Wilson disease (WND). Also called: Wilson's disease. Identifiers: Orphanet 905, MedGen C0019202, MONDO:0010200, OMIM 277900. Disease mechanism: loss of function.

gnomAD v4.1: 8 of 1,613,986 alleles (0.0005%); highest among the groups gnomAD compares: Non-Finnish European, 0.00068%; no homozygotes.

Submission:

Color Diagnostics, LLC DBA Color Health
Classification: Uncertain significance for Wilson disease. Last evaluated: 2025-06-24. Review status: criteria provided, single submitter. Criteria: ACMG Guidelines, 2015. Collection method: clinical testing. Allele origin: germline.
Comment: This missense variant replaces histidine with arginine at codon 639 of the ATP7B protein. Computational prediction suggests that this variant may not impact protein structure and function. To our knowledge, functional studies have not been reported for this variant. This variant has not been reported in individuals affected with ATP7B-related disorders in the literature. This variant has been identified in 1/249582 chromosomes in the general population by the Genome Aggregation Database (gnomAD). The available evidence is insufficient to determine the role of this variant in disease conclusively. Therefore, this variant is classified as a Variant of Uncertain Significance.